The following is an entry in ClinVar:

NM_138792.4(LEO1):c.668dup (p.Asp223fs)

Gene: LEO1 (LEO1 homolog, Paf1/RNA polymerase II complex component; minus strand). Cytogenetic location: 15q21.2.
Variant type: Duplication.
Coding change: c.668dup on transcript NM_138792.4 (MANE Select); coding-DNA position 668, one base duplicated (A; older notation c.668dupA).
Protein change: p.Asp223fs; shifts the reading frame from aspartic acid 223.
Molecular consequence: frameshift variant.
Genome position (GRCh38, 1-based): chr15:51,965,895, T duplicated on the plus strand (A on the coding strand, the reverse complement: LEO1 is on the minus strand). VCF-style (leftmost placement, unchanged base first): chr15-51965894-A-AT. GRCh37 (hg19) VCF-style: chr15-52258091-A-AT.
Other names: c.668dup, p.Asp223fs (NM_001286430.2, NM_001323903.2, NM_001323904.2); short protein forms D223fs.
Identifiers: ClinVar variation 2637254 (VCV002637254.1), dbSNP rs2542537387, ClinGen allele CA2695197287.

ClinVar aggregate classification (germline): Uncertain significance (1 of 4 stars; one submission).

Conditions:
LEO1-related disorder. Also called: LEO1-related condition.

Submission:

PreventionGenetics, part of Exact Sciences
Classification: Uncertain significance for LEO1-related condition. Last evaluated: 2022-09-08. Review status: criteria provided, single submitter. Criteria: ACMG Guidelines, 2015. Collection method: clinical testing. Allele origin: germline.
Comment: The LEO1 c.668dupA variant is predicted to result in a frameshift and premature protein termination (p.Asp223Glufs*2). To our knowledge, this variant has not been reported in the literature or in a large population database, indicating this variant is rare. At this time, the clinical significance of this variant is uncertain due to the absence of conclusive functional and genetic evidence.